The following is an entry in ClinVar:

NM_002439.5(MSH3):c.3365G>C (p.Trp1122Ser)

Gene: MSH3 (mutS homolog 3; plus strand). Cytogenetic location: 5q14.1.
Variant type: single nucleotide variant.
Coding change: c.3365G>C on transcript NM_002439.5 (MANE Select); coding-DNA position 3365, G replaced by C.
Protein change: p.Trp1122Ser; replaces tryptophan 1122 with serine.
Molecular consequence: missense variant.
Genome position (GRCh38, 1-based): chr5:80,875,813, G>C. VCF-style: chr5-80875813-G-C. GRCh37 (hg19) VCF-style: chr5-80171632-G-C.
Other names: short protein forms W1122S.
Identifiers: ClinVar variation 5024811 (VCV005024811.1).
Genomic context (GRCh38, chr5:80,875,813, plus strand): 5'-AGAGACTCAAGTATTTTGCAAAGTTATGGACGATGCATAATGCACAAGACCTGCAGAAGT[G>C]GACAGAGGAGTTCAACATGGAAGAAACACAGACTTCTCTTCTTCATTAAAATGAAGACTA-3'
Protein context (NP_002430.3, residues 1112-1132): TMHNAQDLQK[Trp1122Ser]TEEFNMEETQ

ClinVar aggregate classification (germline): Uncertain significance (1 of 4 stars; one submission).

Conditions:
Hereditary cancer-predisposing syndrome. Also called: Neoplastic Syndromes, Hereditary; Tumor predisposition; Hereditary neoplastic syndrome; Hereditary Cancer Syndrome. Identifiers: Orphanet 140162, MedGen C0027672, MeSH D009386, MONDO:0015356.

Submission:

Ambry Genetics
Classification: Uncertain significance for Hereditary cancer-predisposing syndrome. Last evaluated: 2026-07-20. Review status: criteria provided, single submitter. Criteria: Ambry Variant Classification Scheme 2023. Collection method: clinical testing. Allele origin: germline.
Comment: The p.W1122S variant (also known as c.3365G>C), located in coding exon 24 of the MSH3 gene, results from a G to C substitution at nucleotide position 3365. The tryptophan at codon 1122 is replaced by serine, an amino acid with highly dissimilar properties. This amino acid position is conserved. In addition, the in silico prediction for this alteration is inconclusive. Based on the available evidence, the clinical significance of this variant remains unclear.